The following is an entry in ClinVar:

NM_006218.4(PIK3CA):c.212T>C (p.Val71Ala)

Gene: PIK3CA (phosphatidylinositol-4,5-bisphosphate 3-kinase catalytic subunit alpha; plus strand). Cytogenetic location: 3q26.32.
Variant type: single nucleotide variant.
Coding change: c.212T>C on transcript NM_006218.4 (MANE Select); coding-DNA position 212, T replaced by C.
Protein change: p.Val71Ala; replaces valine 71 with alanine.
Molecular consequence: missense variant.
Genome position (GRCh38, 1-based): chr3:179,199,037, T>C. VCF-style: chr3-179199037-T-C. GRCh37 (hg19) VCF-style: chr3-178916825-T-C.
Other names: short protein forms V71A.
Identifiers: ClinVar variation 4136787 (VCV004136787.1).
Genomic context (GRCh38, chr3:179,199,037, plus strand): 5'-AAGAAGCAAGAAAATACCCCCTCCATCAACTTCTTCAAGATGAATCTTCTTACATTTTCG[T>C]AAGTGTTACTCAAGAAGCAGAAAGGGAAGAATTTTTTGATGAAACAAGACGACTTTGTGA-3'
Protein context (NP_006209.2, residues 61-81): LLQDESSYIF[Val71Ala]SVTQEAEREE

ClinVar aggregate classification (germline): Uncertain significance (1 of 4 stars; one submission).

Conditions:
Inborn genetic diseases. Identifiers: MedGen C0950123, MeSH D030342.

Submission:

Ambry Genetics
Classification: Uncertain significance for Inborn genetic diseases. Last evaluated: 2025-07-18. Review status: criteria provided, single submitter. Criteria: Ambry Variant Classification Scheme 2023. Collection method: clinical testing. Allele origin: germline.
Comment: The p.V71A variant (also known as c.212T>C), located in coding exon 1 of the PIK3CA gene, results from a T to C substitution at nucleotide position 212. The valine at codon 71 is replaced by alanine, an amino acid with similar properties. This amino acid position is conserved. In addition, this alteration is predicted to be deleterious by in silico analysis. Based on the available evidence, the clinical significance of this variant remains unclear.